The following is an entry in ClinVar:

NM_006946.4(SPTBN2):c.6723-26_6723-7dup

Gene: SPTBN2 (spectrin beta, non-erythrocytic 2; minus strand). Cytogenetic location: 11q13.2.
Variant type: Duplication.
Coding change: c.6723-26_6723-7dup on transcript NM_006946.4 (MANE Select); 26 bases into the intron before coding-DNA position 6723 through 7 bases into the intron before coding-DNA position 6723, 20 bases duplicated (GCCAGTCAGCACCGCGTCCC).
Molecular consequence: intron variant.
Genome position (GRCh38, 1-based): chr11:66,687,174-66,687,193, GGGACGCGGTGCTGACTGGC duplicated on the plus strand (GCCAGTCAGCACCGCGTCCC on the coding strand, the reverse complement: SPTBN2 is on the minus strand). VCF-style (leftmost placement, unchanged base first): chr11-66687173-A-AGGGACGCGGTGCTGACTGGC. GRCh37 (hg19) VCF-style: chr11-66454644-A-AGGGACGCGGTGCTGACTGGC.
Other names: c.6723-26_6723-7dup (NM_001437541.1); c.6744-26_6744-7dup (NM_001411025.1).
Identifiers: ClinVar variation 4772253 (VCV004772253.1).

ClinVar aggregate classification (germline): Uncertain significance (1 of 4 stars; one submission).

Submission:

Labcorp Genetics (formerly Invitae), Labcorp
Classification: Uncertain significance. Last evaluated: 2025-11-29. Review status: criteria provided, single submitter. Criteria: Invitae Variant Classification Sherloc (09022015). Collection method: clinical testing. Allele origin: germline.
Comment: This sequence change falls in intron 34 of the SPTBN2 gene. It does not directly change the encoded amino acid sequence of the SPTBN2 protein. This variant is not present in population databases (gnomAD no frequency). This variant has not been reported in the literature in individuals affected with SPTBN2-related conditions. Experimental studies and prediction algorithms are not available or were not evaluated, and the effect of this variant on mRNA splicing is currently unknown. In summary, the available evidence is currently insufficient to determine the role of this variant in disease. Therefore, it has been classified as a Variant of Uncertain Significance.